The following is an entry in ClinVar:

ClinVar aggregate classification (germline): Uncertain significance. Review status: criteria provided, multiple submitters, no conflicts (2 of 4 stars). 2 submissions from 2 submitters: Uncertain significance (2). Last evaluated 2024-03-01.

Conditions:
Acrocallosal syndrome (ACLS). Also called: Schinzel syndrome 1; Absence of corpus callosum with unusual facial appearance, mental deficiency, duplication of the halluces and polydactyly; HALLUX DUPLICATION, POSTAXIAL POLYDACTYLY, AND ABSENCE OF CORPUS CALLOSUM. Identifiers: Orphanet 36, MedGen C0796147, MONDO:0008708, OMIM 200990.
Multiple epiphyseal dysplasia, Al-Gazali type. Also called: Macrocephaly with multiple epiphyseal dysplasia and distinctive facies. Identifiers: Orphanet 166024, MedGen C1846722, MONDO:0011778, OMIM 607131.
Hydrolethalus syndrome 2 (HLS2). Identifiers: Orphanet 2189, MedGen C3279899, MONDO:0013585, OMIM 614120.

Allele frequency attached by ClinVar (database versions not stated): gnomAD 0.00001; TOPMed 0.00002.
gnomAD v4.1: 20 of 1,606,116 alleles (0.0012%); highest among the groups gnomAD compares: Admixed American, 0.0034%; no homozygotes.

Submissions (2):

Fulgent Genetics
Classification: Uncertain significance for Acrocallosal syndrome; Multiple epiphyseal dysplasia, Al-Gazali type; Hydrolethalus syndrome 2. Last evaluated: 2024-03-01. Review status: criteria provided, single submitter. Criteria: ACMG Guidelines, 2015. Collection method: clinical testing. Allele origin: germline.

Labcorp Genetics (formerly Invitae), Labcorp
Classification: Uncertain significance for Acrocallosal syndrome. Last evaluated: 2023-09-30. Review status: criteria provided, single submitter. Criteria: Invitae Variant Classification Sherloc (09022015). Collection method: clinical testing. Allele origin: germline.
Comment: This sequence change replaces arginine, which is basic and polar, with glutamine, which is neutral and polar, at codon 1339 of the KIF7 protein (p.Arg1339Gln). This variant is present in population databases (rs747829509, gnomAD 0.003%). This missense change has been observed in individual(s) with clinical features of KIF7-related conditions (Invitae). It has also been observed to segregate with disease in related individuals. ClinVar contains an entry for this variant (Variation ID: 1395211). An algorithm developed to predict the effect of missense changes on protein structure and function (PolyPhen-2) suggests that this variant is likely to be disruptive. In summary, the available evidence is currently insufficient to determine the role of this variant in disease. Therefore, it has been classified as a Variant of Uncertain Significance.

NM_198525.3(KIF7):c.4016G>A (p.Arg1339Gln)

Gene: KIF7 (kinesin family member 7; minus strand). Cytogenetic location: 15q26.1.
Variant type: single nucleotide variant.
Coding change: c.4016G>A on transcript NM_198525.3 (MANE Select); coding-DNA position 4016, G replaced by A.
Protein change: p.Arg1339Gln; replaces arginine 1339 with glutamine.
Molecular consequence: missense variant.
Genome position (GRCh38, 1-based): chr15:89,628,435, C>T on the plus strand (G>A on the coding strand, the complement: KIF7 is on the minus strand). VCF-style: chr15-89628435-C-T. GRCh37 (hg19) VCF-style: chr15-90171666-C-T.
Other names: short protein forms R1339Q.
Identifiers: ClinVar variation 1395211 (VCV001395211.7), dbSNP rs747829509, ClinGen allele CA7727443.
Genomic context (GRCh38, chr15:89,628,435, plus strand): 5'-GCAGGCTCGGAGTCTCCCTCCAAGGCAGGGTCTGCCCCGAGGGCTTACAGGGGGTTTTTC[C>T]GGACATCAATCATCCCCGGGCTGGCTCGTCGCAGTTCCCGCCGGGGCTTGGACAAAGGCC-3'
Protein context (NP_940927.2, residues 1329-1343): RRASPGMIDV[Arg1339Gln]KNPL